The following is an entry in ClinVar:

ClinVar aggregate classification (germline): Uncertain significance. Review status: criteria provided, multiple submitters, no conflicts (2 of 4 stars). 3 submissions from 3 submitters: Uncertain significance (3). Last evaluated 2025-12-22.

Conditions:
Cardiovascular phenotype. Identifiers: MedGen CN230736.
Catecholaminergic polymorphic ventricular tachycardia 1. Also called: VENTRICULAR TACHYCARDIA, STRESS-INDUCED POLYMORPHIC 1; VENTRICULAR TACHYCARDIA, CATECHOLAMINERGIC POLYMORPHIC, 1, WITH OR WITHOUT ATRIAL DYSFUNCTION AND/OR DILATED CARDIOMYOPATHY; RYR2-Related Catecholaminergic Polymorphic Ventricular Tachycardia. Identifiers: Orphanet 3286, MedGen C1631597, MONDO:0011484, OMIM 604772.

Submissions (3):

Labcorp Genetics (formerly Invitae), Labcorp
Classification: Uncertain significance for Catecholaminergic polymorphic ventricular tachycardia 1. Last evaluated: 2025-12-22. Review status: criteria provided, single submitter. Criteria: Invitae Variant Classification Sherloc (09022015). Collection method: clinical testing. Allele origin: germline.
Comment: This sequence change replaces phenylalanine, which is neutral and non-polar, with valine, which is neutral and non-polar, at codon 2662 of the RYR2 protein (p.Phe2662Val). This variant is not present in population databases (gnomAD no frequency). This variant has not been reported in the literature in individuals affected with RYR2-related conditions. ClinVar contains an entry for this variant (Variation ID: 1054620). Invitae Evidence Modeling of protein sequence and biophysical properties (such as structural, functional, and spatial information, amino acid conservation, physicochemical variation, residue mobility, and thermodynamic stability) indicates that this missense variant is expected to disrupt RYR2 protein function with a positive predictive value of 95%. In summary, the available evidence is currently insufficient to determine the role of this variant in disease. Therefore, it has been classified as a Variant of Uncertain Significance.

GeneDx
Classification: Uncertain significance. Last evaluated: 2023-01-28. Review status: criteria provided, single submitter. Criteria: GeneDx Variant Classification Process June 2021. Collection method: clinical testing. Allele origin: germline. Affected: yes.
Comment: Not observed at significant frequency in large population cohorts (gnomAD); In silico analysis supports that this missense variant has a deleterious effect on protein structure/function; Not located in one of the three hot-spot regions of the RYR2 gene, where the majority of pathogenic missense variants occur (Medeiros-Domingo et al., 2009); Has not been previously published as pathogenic or benign to our knowledge

Ambry Genetics
Classification: Uncertain significance for Cardiovascular phenotype. Last evaluated: 2022-10-17. Review status: criteria provided, single submitter. Criteria: Ambry Variant Classification Scheme 2023. Collection method: clinical testing. Allele origin: germline.
Comment: The p.F2662V variant (also known as c.7984T>G), located in coding exon 53 of the RYR2 gene, results from a T to G substitution at nucleotide position 7984. The phenylalanine at codon 2662 is replaced by valine, an amino acid with highly similar properties. This amino acid position is highly conserved in available vertebrate species. In addition, this alteration is predicted to be deleterious by in silico analysis. Since supporting evidence is limited at this time, the clinical significance of this alteration remains unclear.

NM_001035.3(RYR2):c.7984T>G (p.Phe2662Val)

Gene: RYR2 (ryanodine receptor 2; plus strand). Cytogenetic location: 1q43.
Variant type: single nucleotide variant.
Coding change: c.7984T>G on transcript NM_001035.3 (MANE Select); coding-DNA position 7984, T replaced by G.
Protein change: p.Phe2662Val; replaces phenylalanine 2662 with valine.
Molecular consequence: missense variant.
Genome position (GRCh38, 1-based): chr1:237,655,839, T>G. VCF-style: chr1-237655839-T-G. GRCh37 (hg19) VCF-style: chr1-237819139-T-G.
Other names: short protein forms F2662V.
Identifiers: ClinVar variation 1054620 (VCV001054620.13), dbSNP rs2148823138, ClinGen allele CA345400741.
Genomic context (GRCh38, chr1:237,655,839, plus strand): 5'-GCCATATAGTAATTTTTTTTTTTGGTCCTCCATTTTTCCCAGAAATATGAACAAGAACTT[T>G]TCAAACTGGCACTGCCTTGCCTGAGTGCAGTTGCGGGAGCTTTGCCTCCAGACTACATGG-3'
Protein context (NP_001026.2, residues 2652-2672): LSQKKYEQEL[Phe2662Val]KLALPCLSAV